The following is an entry in ClinVar:

NM_032444.4(SLX4):c.622T>A (p.Leu208Met)

Gene: SLX4 (SLX4 structure-specific endonuclease subunit; minus strand). Cytogenetic location: 16p13.3.
Variant type: single nucleotide variant.
Coding change: c.622T>A on transcript NM_032444.4 (MANE Select); coding-DNA position 622, T replaced by A.
Protein change: p.Leu208Met; replaces leucine 208 with methionine.
Molecular consequence: missense variant.
Genome position (GRCh38, 1-based): chr16:3,606,612, A>T on the plus strand (T>A on the coding strand, the complement: SLX4 is on the minus strand). VCF-style: chr16-3606612-A-T. GRCh37 (hg19) VCF-style: chr16-3656613-A-T.
Other names: short protein forms L208M.
Identifiers: ClinVar variation 1024875 (VCV001024875.9), dbSNP rs1453789700, ClinGen allele CA394533376.
Genomic context (GRCh38, chr16:3,606,612, plus strand): 5'-AAGCGTGTCTCAAACGCTCGGGGTCTGCTCTCTTGAACTGCTGCATTCGCTGTAGGACCA[A>T]TTGTGCTGTGCGGGGTTTGGAGGGACTTGGCACTGCTGTTGTCAAACAGGAAGGAGGAGG-3'
Protein context (NP_115820.2, residues 198-218): PSPSKPRTAQ[Leu208Met]VLQRMQQFKR

ClinVar aggregate classification (germline): Uncertain significance (1 of 4 stars; one submission).

Conditions:
Fanconi anemia (FA). Also called: Fanconi's anemia. Identifiers: Orphanet 84, MedGen C0015625, MeSH D005199, MONDO:0019391.

Allele frequency attached by ClinVar (database versions not stated): TOPMed below 0.00001; gnomAD 0.00001.
gnomAD v4.1: 1 of 1,614,034 alleles (0.000062%); highest among the groups gnomAD compares: Non-Finnish European, 0.000085%; no homozygotes.

Submission:

Labcorp Genetics (formerly Invitae), Labcorp
Classification: Uncertain significance for Fanconi anemia. Last evaluated: 2023-10-17. Review status: criteria provided, single submitter. Criteria: Invitae Variant Classification Sherloc (09022015). Collection method: clinical testing. Allele origin: germline.
Comment: This sequence change replaces leucine, which is neutral and non-polar, with methionine, which is neutral and non-polar, at codon 208 of the SLX4 protein (p.Leu208Met). This variant is not present in population databases (gnomAD no frequency). This variant has not been reported in the literature in individuals affected with SLX4-related conditions. ClinVar contains an entry for this variant (Variation ID: 1024875). Algorithms developed to predict the effect of missense changes on protein structure and function output the following: SIFT: "Not Available"; PolyPhen-2: "Possibly Damaging"; Align-GVGD: "Not Available". The methionine amino acid residue is found in multiple mammalian species, which suggests that this missense change does not adversely affect protein function. In summary, the available evidence is currently insufficient to determine the role of this variant in disease. Therefore, it has been classified as a Variant of Uncertain Significance.